The following is an entry in ClinVar:

ClinVar aggregate classification (germline): Pathogenic (1 of 4 stars; one submission).

Conditions:
Joubert syndrome 3 (JBTS3). Also called: AHI1-related Ciliopathy. Identifiers: Orphanet 220493, MedGen C1837713, MONDO:0012078, OMIM 608629.

Submission:

Myriad Genetics, Inc.
Classification: Pathogenic for Joubert syndrome 3. Last evaluated: 2026-04-22. Review status: criteria provided, single submitter. Criteria: Myriad Autosomal Dominant, Autosomal Recessive and X-Linked Classification Criteria (2023). Collection method: clinical testing. Allele origin: unknown.
Comment: NM_001134831.1(AHI1):c.2972delG(R991Lfs*26) is a frameshift variant classified as pathogenic in the context of Joubert syndrome, AHI1-related. R991Lfs*26 has not been observed in cases with relevant disease. Relevant functional assessments of this variant are not available in the literature. R991Lfs*26 has not been observed in referenced population frequency databases. In summary, NM_001134831.1(AHI1):c.2972delG(R991Lfs*26) is a frameshift variant in a gene where loss of function is a known mechanism of disease and is predicted to disrupt protein function. Please note: this variant was assessed in the context of healthy population screening.

NM_001134831.2(AHI1):c.2972del (p.Arg991fs)

Gene: AHI1 (Abelson helper integration site 1; minus strand). Cytogenetic location: 6q23.3.
Variant type: Deletion.
Coding change: c.2972del on transcript NM_001134831.2 (MANE Select); coding-DNA position 2972, one base deleted (G; older notation c.2972delG).
Protein change: p.Arg991fs; shifts the reading frame from arginine 991.
Molecular consequence: frameshift variant.
Genome position (GRCh38, 1-based): chr6:135,404,967, C deleted on the plus strand (G on the coding strand, the reverse complement: AHI1 is on the minus strand). VCF-style (leftmost placement, unchanged base first): chr6-135404966-AC-A. GRCh37 (hg19) VCF-style: chr6-135726104-AC-A.
Other names: c.2972del, p.Arg991fs (NM_001134830.2, NM_001134832.2, NM_001350503.2 and 2 more transcripts); short protein forms R991fs.
Identifiers: ClinVar variation 5004621 (VCV005004621.1).